The following is an entry in ClinVar:

ClinVar aggregate classification (germline): Likely benign (0 of 4 stars; one submission).

Conditions:
PHC1-related disorder. Also called: PHC1-related condition.

Allele frequency attached by ClinVar (database versions not stated): gnomAD exomes 0.00002; ExAC 0.00004; ESP Exome Variant Server 0.00008; gnomAD 0.00009; TOPMed 0.00011.
gnomAD v4.1: 97 of 1,608,008 alleles (0.006%); highest among the groups gnomAD compares: East Asian, 0.04%; no homozygotes.

Submissions (2):

PreventionGenetics, part of Exact Sciences
Classification: Likely benign for PHC1-related condition. Last evaluated: 2019-03-20. Review status: no assertion criteria provided. Collection method: clinical testing. Allele origin: germline.
Comment: This variant is classified as likely benign based on ACMG/AMP sequence variant interpretation guidelines (Richards et al. 2015 PMID: 25741868, with internal and published modifications).

Dr. Peter K. Rogan Lab, Western University
No classification provided (evidence only). Condition: Gastric cancer. Review status: no classification provided. Collection method: in vitro. Allele origin: not applicable. Functional consequence: retained intron. Not counted in ClinVar's aggregate classification.

NM_004426.3(PHC1):c.2253+8C>T

Gene: PHC1 (polyhomeotic homolog 1; plus strand). Cytogenetic location: 12p13.31.
Variant type: single nucleotide variant.
Coding change: c.2253+8C>T on transcript NM_004426.3 (MANE Select); 8 bases into the intron after coding-DNA position 2253, C replaced by T.
Molecular consequence: intron variant.
Genome position (GRCh38, 1-based): chr12:8,934,486, C>T. VCF-style: chr12-8934486-C-T. GRCh37 (hg19) VCF-style: chr12-9087082-C-T.
Other names: NC_000012.11:g.9087082C>T; c.2253+8C>T (NM_001413738.1); c.1716+8C>T (NM_001413748.1, NM_001413749.1); c.1692+8C>T (NM_001413751.1, NM_001413752.1); c.2097+8C>T (NM_001413742.1, NM_001413743.1); c.1878+8C>T (NM_001413744.1); c.1830+8C>T (NM_001413745.1); c.1734+8C>T (NM_001413747.1); and 7 more.
Identifiers: ClinVar variation 3057952 (VCV003057952.3), dbSNP rs370773541, ClinGen allele CA6437155.